The following is an entry in ClinVar:

ClinVar aggregate classification (germline): Uncertain significance (1 of 4 stars; one submission).

Submission:

Labcorp Genetics (formerly Invitae), Labcorp
Classification: Uncertain significance. Last evaluated: 2024-02-26. Review status: criteria provided, single submitter. Criteria: Invitae Variant Classification Sherloc (09022015). Collection method: clinical testing. Allele origin: germline.
Comment: This sequence change replaces histidine, which is basic and polar, with glutamine, which is neutral and polar, at codon 228 of the ADAMTS13 protein (p.His228Gln). This variant is not present in population databases (gnomAD no frequency). This variant has not been reported in the literature in individuals affected with ADAMTS13-related conditions. ClinVar contains an entry for this variant (Variation ID: 1935130). An algorithm developed to predict the effect of missense changes on protein structure and function (PolyPhen-2) suggests that this variant is likely to be disruptive. In summary, the available evidence is currently insufficient to determine the role of this variant in disease. Therefore, it has been classified as a Variant of Uncertain Significance.

NM_139027.6(ADAMTS13):c.684C>G (p.His228Gln)

Gene: ADAMTS13 (ADAM metallopeptidase with thrombospondin type 1 motif 13; plus strand). Cytogenetic location: 9q34.2.
Variant type: single nucleotide variant.
Coding change: c.684C>G on transcript NM_139027.6 (MANE Select); coding-DNA position 684, C replaced by G.
Protein change: p.His228Gln; replaces histidine 228 with glutamine.
Molecular consequence: missense variant. On other transcripts: non-coding transcript variant (1).
Genome position (GRCh38, 1-based): chr9:133,426,343, C>G. VCF-style: chr9-133426343-C-G. GRCh37 (hg19) VCF-style: chr9-136291463-C-G.
Other names: c.684C>G, p.His228Gln (NM_139025.5, NM_139026.6); short protein forms H228Q.
Identifiers: ClinVar variation 1935130 (VCV001935130.5), dbSNP rs2491080268, ClinGen allele CA375384000.